The following is an entry in ClinVar:

NM_004055.5(CAPN5):c.89C>T (p.Pro30Leu)

Gene: CAPN5 (calpain 5; plus strand). Cytogenetic location: 11q13.5.
Variant type: single nucleotide variant.
Coding change: c.89C>T on transcript NM_004055.5 (MANE Select); coding-DNA position 89, C replaced by T.
Protein change: p.Pro30Leu; replaces proline 30 with leucine.
Molecular consequence: missense variant.
Genome position (GRCh38, 1-based): chr11:77,084,975, C>T. VCF-style: chr11-77084975-C-T. GRCh37 (hg19) VCF-style: chr11-76796021-C-T.
Other names: c.89C>T, p.Pro30Leu (NM_001425321.1, NM_001425322.1, NM_001425323.1); short protein forms P30L.
Identifiers: ClinVar variation 2919523 (VCV002919523.3), dbSNP rs782143332, ClinGen allele CA6196101.
Genomic context (GRCh38, chr11:77,084,975, plus strand): 5'-ACCAGAACTACTCAGCCCTGAGGCGGGACTGCCGGCGCAGGAAGGTGCTCTTCGAGGACC[C>T]CCTCTTCCCCGCCACTGACGACTCACTCTACTATAAGGGCACGCCGGGGCCCGCCGTCAG-3'
Protein context (NP_004046.2, residues 20-40): CRRRKVLFED[Pro30Leu]LFPATDDSLY

ClinVar aggregate classification (germline): Uncertain significance (1 of 4 stars; one submission).

Allele frequency attached by ClinVar (database versions not stated): gnomAD 0.00001; ExAC 0.00002; gnomAD exomes 0.00002; TOPMed 0.00002.
gnomAD v4.1: 23 of 1,613,538 alleles (0.0014%); highest among the groups gnomAD compares: East Asian, 0.0022%; no homozygotes.

Submission:

Labcorp Genetics (formerly Invitae), Labcorp
Classification: Uncertain significance. Last evaluated: 2024-10-02. Review status: criteria provided, single submitter. Criteria: Invitae Variant Classification Sherloc (09022015). Collection method: clinical testing. Allele origin: germline.
Comment: This sequence change replaces proline, which is neutral and non-polar, with leucine, which is neutral and non-polar, at codon 30 of the CAPN5 protein (p.Pro30Leu). This variant is present in population databases (rs782143332, gnomAD 0.006%). This variant has not been reported in the literature in individuals affected with CAPN5-related conditions. Invitae Evidence Modeling of protein sequence and biophysical properties (such as structural, functional, and spatial information, amino acid conservation, physicochemical variation, residue mobility, and thermodynamic stability) indicates that this missense variant is not expected to disrupt CAPN5 protein function with a negative predictive value of 80%. In summary, the available evidence is currently insufficient to determine the role of this variant in disease. Therefore, it has been classified as a Variant of Uncertain Significance.